The following is an entry in ClinVar:

NM_004281.4(BAG3):c.668C>G (p.Pro223Arg)

Gene: BAG3 (BAG cochaperone 3; plus strand). Cytogenetic location: 10q26.11.
Variant type: single nucleotide variant.
Coding change: c.668C>G on transcript NM_004281.4 (MANE Select); coding-DNA position 668, C replaced by G.
Protein change: p.Pro223Arg; replaces proline 223 with arginine.
Molecular consequence: missense variant.
Genome position (GRCh38, 1-based): chr10:119,672,415, C>G. VCF-style: chr10-119672415-C-G. GRCh37 (hg19) VCF-style: chr10-121431927-C-G.
Other names: short protein forms P223R.
Identifiers: ClinVar variation 222511 (VCV000222511.7), dbSNP rs754615028, ClinGen allele CA077630.

ClinVar aggregate classification (germline): Uncertain significance. Review status: criteria provided, multiple submitters, no conflicts (2 of 4 stars). 2 submissions from 2 submitters: Uncertain significance (2). Last evaluated 2025-04-22.

Conditions:
Cardiovascular phenotype. Identifiers: MedGen CN230736.
Myofibrillar myopathy 6. Identifiers: Orphanet 199340, MedGen C2751831, MONDO:0013061, OMIM 612954.
Dilated cardiomyopathy 1HH (CMD1HH). Identifiers: Orphanet 154, MedGen C3151293, MONDO:0013479, OMIM 613881.

Allele frequency attached by ClinVar (database versions not stated): TOPMed 0.00002; gnomAD 0.00002.
gnomAD v4.1: 10 of 1,614,084 alleles (0.00062%); highest among the groups gnomAD compares: Admixed American, 0.01%; no homozygotes.

Submissions (2):

Labcorp Genetics (formerly Invitae), Labcorp
Classification: Uncertain significance for Dilated cardiomyopathy 1HH; Myofibrillar myopathy 6. Last evaluated: 2025-04-22. Review status: criteria provided, single submitter. Criteria: Invitae Variant Classification Sherloc (09022015). Collection method: clinical testing. Allele origin: germline.
Comment: This sequence change replaces proline, which is neutral and non-polar, with arginine, which is basic and polar, at codon 223 of the BAG3 protein (p.Pro223Arg). This variant is present in population databases (rs754615028, gnomAD 0.009%). This variant has not been reported in the literature in individuals affected with BAG3-related conditions. ClinVar contains an entry for this variant (Variation ID: 222511). An algorithm developed to predict the effect of missense changes on protein structure and function (PolyPhen-2) suggests that this variant is likely to be disruptive. In summary, the available evidence is currently insufficient to determine the role of this variant in disease. Therefore, it has been classified as a Variant of Uncertain Significance.

Ambry Genetics
Classification: Uncertain significance for Cardiovascular phenotype. Last evaluated: 2021-12-01. Review status: criteria provided, single submitter. Criteria: Ambry Variant Classification Scheme 2023. Collection method: clinical testing. Allele origin: germline.
Comment: The p.P223R variant (also known as c.668C>G), located in coding exon 3 of the BAG3 gene, results from a C to G substitution at nucleotide position 668. The proline at codon 223 is replaced by arginine, an amino acid with dissimilar properties. This amino acid position is conserved. In addition, the in silico prediction for this alteration is inconclusive. Since supporting evidence is limited at this time, the clinical significance of this alteration remains unclear.